The following is an entry in ClinVar:

ClinVar aggregate classification (germline): Uncertain significance. Review status: criteria provided, multiple submitters, no conflicts (2 of 4 stars). 2 submissions from 2 submitters: Uncertain significance (2). Last evaluated 2025-08-30.

Allele frequency attached by ClinVar (database versions not stated): ExAC 0.00010; ESP Exome Variant Server 0.00016; 1000 Genomes Project 0.00020.

Submissions (2):

Ambry Genetics
Classification: Uncertain significance. Last evaluated: 2025-08-30. Review status: criteria provided, single submitter. Criteria: Ambry Variant Classification Scheme 2023. Collection method: clinical testing. Allele origin: germline.

Labcorp Genetics (formerly Invitae), Labcorp
Classification: Uncertain significance. Last evaluated: 2025-07-02. Review status: criteria provided, single submitter. Criteria: Invitae Variant Classification Sherloc (09022015). Collection method: clinical testing. Allele origin: germline.
Comment: This sequence change replaces glutamic acid, which is acidic and polar, with lysine, which is basic and polar, at codon 251 of the ICOSLG protein (p.Glu251Lys). This variant is present in population databases (rs201791685, gnomAD 0.02%). This variant has not been reported in the literature in individuals affected with ICOSLG-related conditions. ClinVar contains an entry for this variant (Variation ID: 2171827). An algorithm developed to predict the effect of missense changes on protein structure and function outputs the following: PolyPhen-2: "Benign". The lysine amino acid residue is found in multiple mammalian species, which suggests that this missense change does not adversely affect protein function. In summary, the available evidence is currently insufficient to determine the role of this variant in disease. Therefore, it has been classified as a Variant of Uncertain Significance.

NM_015259.6(ICOSLG):c.751G>A (p.Glu251Lys)

Gene: ICOSLG (inducible T cell costimulator ligand; minus strand). Cytogenetic location: 21q22.3.
Variant type: single nucleotide variant.
Coding change: c.751G>A on transcript NM_015259.6 (MANE Select); coding-DNA position 751, G replaced by A.
Protein change: p.Glu251Lys; replaces glutamic acid 251 with lysine.
Molecular consequence: missense variant.
Genome position (GRCh38, 1-based): chr21:44,231,391, C>T on the plus strand (G>A on the coding strand, the complement: ICOSLG is on the minus strand). VCF-style: chr21-44231391-C-T. GRCh37 (hg19) VCF-style: chr21-45651274-C-T.
Other names: c.751G>A, p.Glu251Lys (NM_001283050.2, NM_001395918.1); c.400G>A, p.Glu134Lys (NM_001283051.2); c.496G>A, p.Glu166Lys (NM_001283052.2); c.670G>A, p.Glu224Lys (NM_001365759.2); c.751G>A (NM_015259.4); short protein forms E166K, E224K, E251K, E134K.
Identifiers: ClinVar variation 2171827 (VCV002171827.7), dbSNP rs201791685, ClinGen allele CA321495787.
Genomic context (GRCh38, chr21:44,231,391, plus strand): 5'-CCGCCACGACCACAAGCAGGCACAGGACAGCCAGGATGCTCCACGTGGCCGCGTTTTTCT[C>T]GCCGGTACTGACTGGATTCTCTGTGATCTTGTCTCTCTCTCCGATGTCATTTCCTACAAG-3'
Protein context (NP_056074.1, residues 241-261): KITENPVSTG[Glu251Lys]KNAATWSILA